The following is an entry in ClinVar:

NM_003107.3(SOX4):c.947C>T (p.Ala316Val)

Genes: SOX4 (SRY-box transcription factor 4; plus strand), LOC129995966 (ATAC-STARR-seq lymphoblastoid silent region 16986; plus strand). Cytogenetic location: 6p22.3.
Variant type: single nucleotide variant.
Coding change: c.947C>T on transcript NM_003107.3 (MANE Select); coding-DNA position 947, C replaced by T.
Protein change: p.Ala316Val; replaces alanine 316 with valine.
Molecular consequence: missense variant.
Genome position (GRCh38, 1-based): chr6:21,595,481, C>T. VCF-style: chr6-21595481-C-T. GRCh37 (hg19) VCF-style: chr6-21595712-C-T.
Other names: c.947C>T (NM_003107.2); short protein forms A316V.
Identifiers: ClinVar variation 1711620 (VCV001711620.32), dbSNP rs201864836, ClinGen allele CA3653674.

ClinVar aggregate classification (germline): Benign/Likely benign. Review status: criteria provided, multiple submitters, no conflicts (2 of 4 stars). 3 submissions from 3 submitters: Benign (1); Likely benign (1). 1 of the submissions does not count toward it. Last evaluated 2026-08-01.

Conditions:
SOX4-related disorder. Also called: SOX4-related condition.

Allele frequency attached by ClinVar (database versions not stated): 1000 Genomes Project 0.00160; ExAC 0.01057; 1000 Genomes Project 30x 0.00265; ESP Exome Variant Server 0.00521.
gnomAD v4.1: 12,737 of 1,433,982 alleles (0.89%); highest among the groups gnomAD compares: Non-Finnish European, 1.1%; 77 homozygotes.

Submissions (3):

CeGaT Center for Human Genetics Tuebingen
Classification: Benign. Last evaluated: 2026-08-01. Review status: criteria provided, single submitter. Criteria: CeGaT Center For Human Genetics Tuebingen Variant Classification Criteria Version 2. Collection method: clinical testing. Allele origin: germline. Affected: yes. Observed: 33 variant alleles.
Comment: SOX4: PP3, BS1, BS2

GeneDx
Classification: Likely benign. Last evaluated: 2021-05-06. Review status: criteria provided, single submitter. Criteria: GeneDx Variant Classification Process June 2021. Collection method: clinical testing. Allele origin: germline. Affected: yes.
Comment: See Variant Classification Assertion Criteria.

PreventionGenetics, part of Exact Sciences
Classification: Benign for SOX4-related condition. Last evaluated: 2019-10-30. Review status: no assertion criteria provided. Collection method: clinical testing. Allele origin: germline. Not counted in ClinVar's aggregate classification.
Comment: This variant is classified as benign based on ACMG/AMP sequence variant interpretation guidelines (Richards et al. 2015 PMID: 25741868, with internal and published modifications).